The following is an entry in ClinVar:

ClinVar aggregate classification (germline): Uncertain significance. Review status: criteria provided, multiple submitters, no conflicts (2 of 4 stars). 2 submissions from 2 submitters: Uncertain significance (2). Last evaluated 2022-10-18.

Conditions:
Inborn genetic diseases. Identifiers: MedGen C0950123, MeSH D030342.
Hereditary spastic paraplegia 11. Also called: Spastic paraplegia, mental retardation and thin corpus callosum; SPASTIC PARAPLEGIA, AUTOSOMAL RECESSIVE, COMPLICATED, WITH THIN CORPUS CALLOSUM; SPASTIC PARAPLEGIA, AUTOSOMAL RECESSIVE, WITH MENTAL IMPAIRMENT AND THIN CORPUS CALLOSUM; Spastic Paraplegia 11; Nakamura Osame syndrome; Autosomal recessive hereditary spastic paraplegia, mental impairment, and thin corpus callosum. Identifiers: Orphanet 2822, MedGen C1858479, MONDO:0011445, OMIM 604360.

Allele frequency attached by ClinVar (database versions not stated): TOPMed below 0.00001; ExAC 0.00002.
gnomAD v4.1: 7 of 1,614,182 alleles (0.00043%); highest among the groups gnomAD compares: Non-Finnish European, 0.00059%; no homozygotes.

Submissions (2):

Labcorp Genetics (formerly Invitae), Labcorp
Classification: Uncertain significance for Hereditary spastic paraplegia 11. Last evaluated: 2022-10-18. Review status: criteria provided, single submitter. Criteria: Invitae Variant Classification Sherloc (09022015). Collection method: clinical testing. Allele origin: germline.
Comment: This sequence change replaces leucine, which is neutral and non-polar, with tryptophan, which is neutral and slightly polar, at codon 120 of the SPG11 protein (p.Leu120Trp). This variant is present in population databases (rs764858234, gnomAD 0.002%). This variant has not been reported in the literature in individuals affected with SPG11-related conditions. ClinVar contains an entry for this variant (Variation ID: 1516376). Algorithms developed to predict the effect of missense changes on protein structure and function are either unavailable or do not agree on the potential impact of this missense change (SIFT: "Deleterious"; PolyPhen-2: "Possibly Damaging"; Align-GVGD: "Class C0"). In summary, the available evidence is currently insufficient to determine the role of this variant in disease. Therefore, it has been classified as a Variant of Uncertain Significance.

Ambry Genetics
Classification: Uncertain significance for Inborn genetic diseases. Last evaluated: 2021-09-12. Review status: criteria provided, single submitter. Criteria: Ambry Variant Classification Scheme 2023. Collection method: clinical testing. Allele origin: germline.
Comment: The p.L120W variant (also known as c.359T>G), located in coding exon 2 of the SPG11 gene, results from a T to G substitution at nucleotide position 359. The leucine at codon 120 is replaced by tryptophan, an amino acid with similar properties. This amino acid position is conserved. In addition, the in silico prediction for this alteration is inconclusive. Since supporting evidence is limited at this time, the clinical significance of this alteration remains unclear.

NM_025137.4(SPG11):c.359T>G (p.Leu120Trp)

Gene: SPG11 (SPG11 vesicle trafficking associated, spatacsin; minus strand). Cytogenetic location: 15q21.1.
Variant type: single nucleotide variant.
Coding change: c.359T>G on transcript NM_025137.4 (MANE Select); coding-DNA position 359, T replaced by G.
Protein change: p.Leu120Trp; replaces leucine 120 with tryptophan.
Molecular consequence: missense variant.
Genome position (GRCh38, 1-based): chr15:44,660,515, A>C on the plus strand (T>G on the coding strand, the complement: SPG11 is on the minus strand). VCF-style: chr15-44660515-A-C. GRCh37 (hg19) VCF-style: chr15-44952713-A-C.
Other names: c.359T>G, p.Leu120Trp (NM_001160227.2); short protein forms L120W.
Identifiers: ClinVar variation 1516376 (VCV001516376.7), dbSNP rs764858234, ClinGen allele CA7535862.